The following is an entry in ClinVar:

ClinVar aggregate classification (germline): Uncertain significance. Review status: criteria provided, multiple submitters, no conflicts (2 of 4 stars). 2 submissions from 2 submitters: Uncertain significance (2). Last evaluated 2024-10-15.

Conditions:
Congenital myopathy with internal nuclei and atypical cores. Also called: Myopathy, centronuclear, 4. Identifiers: Orphanet 319160, MedGen C4707232, MONDO:0013890, OMIM 614807.

Allele frequency attached by ClinVar (database versions not stated): TOPMed 0.00002.
gnomAD v4.1: 14 of 1,595,480 alleles (0.00088%); highest among the groups gnomAD compares: East Asian, 0.032%; no homozygotes.

Submissions (2):

Labcorp Genetics (formerly Invitae), Labcorp
Classification: Uncertain significance for Congenital myopathy with internal nuclei and atypical cores. Last evaluated: 2024-10-15. Review status: criteria provided, single submitter. Criteria: Invitae Variant Classification Sherloc (09022015). Collection method: clinical testing. Allele origin: germline.
Comment: This sequence change replaces glycine, which is neutral and non-polar, with arginine, which is basic and polar, at codon 372 of the CCDC78 protein (p.Gly372Arg). This variant is present in population databases (rs780209156, gnomAD 0.05%), and has an allele count higher than expected for a pathogenic variant. This variant has not been reported in the literature in individuals affected with CCDC78-related conditions. ClinVar contains an entry for this variant (Variation ID: 1016101). Invitae Evidence Modeling of protein sequence and biophysical properties (such as structural, functional, and spatial information, amino acid conservation, physicochemical variation, residue mobility, and thermodynamic stability) indicates that this missense variant is not expected to disrupt CCDC78 protein function with a negative predictive value of 80%. In summary, the available evidence is currently insufficient to determine the role of this variant in disease. Therefore, it has been classified as a Variant of Uncertain Significance.

Revvity Omics, Revvity
Classification: Uncertain significance for Congenital myopathy with internal nuclei and atypical cores. Last evaluated: 2023-03-28. Review status: criteria provided, single submitter. Criteria: ACMG Guidelines, 2015. Collection method: clinical testing. Allele origin: germline.

NM_001378030.1(CCDC78):c.1114G>A (p.Gly372Arg)

Gene: CCDC78 (coiled-coil domain containing 78; minus strand). Cytogenetic location: 16p13.3.
Variant type: single nucleotide variant.
Coding change: c.1114G>A on transcript NM_001378030.1 (MANE Select); coding-DNA position 1114, G replaced by A.
Protein change: p.Gly372Arg; replaces glycine 372 with arginine.
Molecular consequence: missense variant. On other transcripts: non-coding transcript variant (5), intron variant (1).
Genome position (GRCh38, 1-based): chr16:723,876, C>T on the plus strand (G>A on the coding strand, the complement: CCDC78 is on the minus strand). VCF-style: chr16-723876-C-T. GRCh37 (hg19) VCF-style: chr16-773876-C-T.
Other names: c.1114G>A, p.Gly372Arg (NM_001031737.3); c.547G>A, p.Gly183Arg (NM_001378033.1); c.953+446G>A (NM_001378031.1); short protein forms G183R, G372R.
Identifiers: ClinVar variation 1016101 (VCV001016101.10), dbSNP rs780209156, ClinGen allele CA7789249.